The following is an entry in ClinVar:

ClinVar aggregate classification (germline): Uncertain significance (1 of 4 stars; one submission).

Conditions:
Hereditary cancer-predisposing syndrome. Also called: Neoplastic Syndromes, Hereditary; Tumor predisposition; Hereditary Cancer Syndrome; Hereditary neoplastic syndrome. Identifiers: Orphanet 140162, MedGen C0027672, MeSH D009386, MONDO:0015356.

Submission:

Ambry Genetics
Classification: Uncertain significance for Hereditary cancer-predisposing syndrome. Last evaluated: 2021-11-02. Review status: criteria provided, single submitter. Criteria: Ambry Variant Classification Scheme 2023. Collection method: clinical testing. Allele origin: germline.
Comment: The p.E58G variant (also known as c.173A>G), located in coding exon 2 of the APC gene, results from an A to G substitution at nucleotide position 173. The glutamic acid at codon 58 is replaced by glycine, an amino acid with similar properties. This amino acid position is highly conserved in available vertebrate species. In addition, in silico predictors for this gene do not accurately predict pathogenicity. Since supporting evidence is limited at this time, the clinical significance of this alteration remains unclear.

NM_000038.6(APC):c.173A>G (p.Glu58Gly)

Gene: APC (APC regulator of Wnt signaling pathway; plus strand). Cytogenetic location: 5q22.2.
Variant type: single nucleotide variant.
Coding change: c.173A>G on transcript NM_000038.6 (MANE Select); coding-DNA position 173, A replaced by G.
Protein change: p.Glu58Gly; replaces glutamic acid 58 with glycine.
Molecular consequence: missense variant. On other transcripts: 5 prime UTR variant (4).
Genome position (GRCh38, 1-based): chr5:112,766,363, A>G. VCF-style: chr5-112766363-A-G. GRCh37 (hg19) VCF-style: chr5-112102060-A-G.
Other names: c.173A>G, p.Glu58Gly (NM_001127510.3, NM_001354895.2, NM_001354896.2 and 2 more transcripts); c.203A>G, p.Glu68Gly (NM_001127511.3, NM_001354897.2, NM_001354902.2); c.98A>G, p.Glu33Gly (NM_001354898.2, NM_001354904.2); c.-5A>G (NM_001354900.2, NM_001354901.2, NM_001354905.2); c.-863A>G (NM_001354906.2); short protein forms E33G, E58G, E68G.
Identifiers: ClinVar variation 819962 (VCV000819962.4), dbSNP rs1581160289, ClinGen allele CA16021725.
Genomic context (GRCh38, chr5:112,766,363, plus strand): 5'-ATATATTGTGTTCTTTTTAACAGGAAGTACTTAAACAACTACAAGGAAGTATTGAAGATG[A>G]AGCTATGGCTTCTTCTGGACAGATTGATTTATTAGAGCGTCTTAAAGGTAGATTTTAAAA-3'
Protein context (NP_000029.2, residues 48-68): LKQLQGSIED[Glu58Gly]AMASSGQIDL